The following is an entry in ClinVar:

ClinVar aggregate classification (germline): Likely benign. Review status: criteria provided, single submitter (1 of 4 stars). 2 submissions from 2 submitters: Likely benign (1). 1 of the submissions does not count toward it. Last evaluated 2024-08-17.

Conditions:
ERBB4-related disorder. Also called: ERBB4-related condition.

Allele frequency attached by ClinVar (database versions not stated): ESP Exome Variant Server 0.00008; ExAC 0.00012; 1000 Genomes Project 30x 0.00031; 1000 Genomes Project 0.00040.
gnomAD v4.1: 82 of 1,612,870 alleles (0.0051%); highest among the groups gnomAD compares: South Asian, 0.031%; no homozygotes.

Submissions (2):

Labcorp Genetics (formerly Invitae), Labcorp
Classification: Likely benign. Last evaluated: 2024-08-17. Review status: criteria provided, single submitter. Criteria: Invitae Variant Classification Sherloc (09022015). Collection method: clinical testing. Allele origin: germline.

PreventionGenetics, part of Exact Sciences
Classification: Likely benign for ERBB4-related condition. Last evaluated: 2022-11-09. Review status: no assertion criteria provided. Collection method: clinical testing. Allele origin: germline. Not counted in ClinVar's aggregate classification.
Comment: This variant is classified as likely benign based on ACMG/AMP sequence variant interpretation guidelines (Richards et al. 2015 PMID: 25741868, with internal and published modifications).

NM_005235.3(ERBB4):c.633G>A (p.Thr211=)

Gene: ERBB4 (erb-b2 receptor tyrosine kinase 4; minus strand). Cytogenetic location: 2q34.
Variant type: single nucleotide variant.
Coding change: c.633G>A on transcript NM_005235.3 (MANE Select); coding-DNA position 633, G replaced by A.
Protein change: p.Thr211=; no amino-acid change (threonine 211 retained).
Molecular consequence: synonymous variant.
Genome position (GRCh38, 1-based): chr2:211,725,184, C>T on the plus strand (G>A on the coding strand, the complement: ERBB4 is on the minus strand). VCF-style: chr2-211725184-C-T. GRCh37 (hg19) VCF-style: chr2-212589909-C-T.
Other names: c.633G>A, p.Thr211= (NM_001042599.2).
Identifiers: ClinVar variation 2891510 (VCV002891510.5), dbSNP rs142765774, ClinGen allele CA2088367.
Genomic context (GRCh38, chr2:211,725,184, plus strand): 5'-ATGGCAGCAGTCACTGACGTAAGGTCCGTAGCATCTGCCGTCACATTGTTCTGCACACAC[C>T]GTCCTTGTCACTGCAGAAGACAGAGATAGGACCATGATCAAAGTCTGCCACCAGGAGAAA-3'
Protein context (NP_005226.1, residues 201-221): TENHCQTLTR[Thr211=]VCAEQCDGRC